The following is an entry in ClinVar:

NM_000069.3(CACNA1S):c.942T>G (p.Phe314Leu)

Gene: CACNA1S (calcium voltage-gated channel subunit alpha1 S; minus strand). Cytogenetic location: 1q32.1.
Variant type: single nucleotide variant.
Coding change: c.942T>G on transcript NM_000069.3 (MANE Select); coding-DNA position 942, T replaced by G.
Protein change: p.Phe314Leu; replaces phenylalanine 314 with leucine.
Molecular consequence: missense variant.
Genome position (GRCh38, 1-based): chr1:201,087,888, A>C on the plus strand (T>G on the coding strand, the complement: CACNA1S is on the minus strand). VCF-style: chr1-201087888-A-C. GRCh37 (hg19) VCF-style: chr1-201057016-A-C.
Other names: short protein forms F314L.
Identifiers: ClinVar variation 4758933 (VCV004758933.1).

ClinVar aggregate classification (germline): Uncertain significance (1 of 4 stars; one submission).

Conditions:
Malignant hyperthermia, susceptibility to, 5 (MHS5). Also called: CACNA1S-Related Malignant Hyperthermia Susceptibility. Identifiers: Orphanet 423, MedGen C1866077, MONDO:0011163, OMIM 601887.

Submission:

Color Diagnostics, LLC DBA Color Health
Classification: Uncertain significance for Malignant hyperthermia, susceptibility to, 5. Last evaluated: 2025-07-14. Review status: criteria provided, single submitter. Criteria: ACMG Guidelines, 2015. Collection method: clinical testing. Allele origin: germline.
Comment: This missense variant replaces phenylalanine with leucine at codon 314 of the CACNA1S protein. Computational prediction suggests that this variant may have deleterious impact on protein structure and function. To our knowledge, functional studies have not been reported for this variant. This variant has not been reported in individuals affected with CACNA1S-related disorders in the literature. This variant has not been identified in the general population by the Genome Aggregation Database (gnomAD). The available evidence is insufficient to determine the role of this variant in disease conclusively. Therefore, this variant is classified as a Variant of Uncertain Significance.